The following is an entry in ClinVar:

NM_000089.4(COL1A2):c.749G>T (p.Gly250Val)

Gene: COL1A2 (collagen type I alpha 2 chain; plus strand). Cytogenetic location: 7q21.3.
Variant type: single nucleotide variant.
Coding change: c.749G>T on transcript NM_000089.4 (MANE Select); coding-DNA position 749, G replaced by T.
Protein change: p.Gly250Val; replaces glycine 250 with valine.
Molecular consequence: missense variant.
Genome position (GRCh38, 1-based): chr7:94,408,780, G>T. VCF-style: chr7-94408780-G-T. GRCh37 (hg19) VCF-style: chr7-94038092-G-T.
Other names: short protein forms G250V.
Identifiers: ClinVar variation 566379 (VCV000566379.10), dbSNP rs1562900513, ClinGen allele CA368220448.
Genomic context (GRCh38, chr7:94,408,780, plus strand): 5'-TCTTAATTTACTTGGAGGAAATTTCTTACCACCTTCTGCTTTGATTTCAGGGTCCCATTG[G>T]GTCTGCTGGCCCTCCAGGCTTCCCAGGTGCCCCTGGCCCCAAGGTAAAAACACTGGTGAC-3'
Protein context (NP_000080.2, residues 240-260): VGPVGPAGPI[Gly250Val]SAGPPGFPGA

ClinVar aggregate classification (germline): Likely pathogenic (1 of 4 stars; one submission).

Conditions:
Osteogenesis imperfecta type I (OI1). Also called: OI, TYPE I; OSTEOGENESIS IMPERFECTA TARDA; OSTEOGENESIS IMPERFECTA WITH BLUE SCLERAE; Lobstein's Disease; Classic Non-deforming Osteogenesis Imperfecta with Blue Sclerae; Lobstein disease. Identifiers: Orphanet 216796, Orphanet 666, MedGen C0023931, MONDO:0008146, OMIM 166200. Disease mechanism: loss of function.
Ehlers-Danlos syndrome, classic type, 1 (EDSCL1). Also called: Ehlers-Danlos Syndrome, Classic Type, COL5A1-Related; EDS I; Ehlers-Danlos syndrome, type 1; EHLERS-DANLOS SYNDROME, GRAVIS TYPE; EHLERS-DANLOS SYNDROME, SEVERE CLASSIC TYPE. Identifiers: MedGen C0268335, MONDO:0019567, OMIM 130000.

Submission:

Labcorp Genetics (formerly Invitae), Labcorp
Classification: Likely pathogenic for Osteogenesis imperfecta type I; Ehlers-Danlos syndrome, classic type, 1. Last evaluated: 2017-12-03. Review status: criteria provided, single submitter. Criteria: Invitae Variant Classification Sherloc (09022015). Collection method: clinical testing. Allele origin: germline.
Comment: Glycine residues within the Gly-Xaa-Yaa repeats of the triple helix domain are required for the structure and stability of fibrillar collagens (PMID: 7695699, 8218237, 19344236). In COL1A2, missense variants at these glycine residues are significantly enriched in individuals with disease (PMID: 9016532, 17078022) compared to the general population (ExAC). In summary, this variant is a novel missense change affecting a residue that is known to be critical for normal protein structure, stability and function. This type of missense change is also highly enriched in affected individuals and expected to be pathogenic. However, without additional functional and/or genetic data, this variant has been classified as Likely Pathogenic. This variant has not been reported in the literature in individuals with COL1A2-related disease. This variant is not present in population databases (ExAC no frequency). This sequence change replaces glycine with valine at codon 250 of the COL1A2 protein (p.Gly250Val). The glycine residue is highly conserved and there is a moderate physicochemical difference between glycine and valine.

Literature cited by the submitters: PubMed 7695699; PubMed 8218237; PubMed 19344236; PubMed 9016532; PubMed 17078022.